The following is an entry in ClinVar:

ClinVar aggregate classification (germline): Uncertain significance (1 of 4 stars; one submission).

Allele frequency attached by ClinVar (database versions not stated): gnomAD 0.00001; TOPMed 0.00001; ExAC 0.00002; gnomAD exomes 0.00002; ESP Exome Variant Server 0.00008.
gnomAD v4.1: 23 of 1,613,430 alleles (0.0014%); highest among the groups gnomAD compares: Non-Finnish European, 0.0018%; no homozygotes.

Submission:

Labcorp Genetics (formerly Invitae), Labcorp
Classification: Uncertain significance. Last evaluated: 2022-08-05. Review status: criteria provided, single submitter. Criteria: Invitae Variant Classification Sherloc (09022015). Collection method: clinical testing. Allele origin: germline.
Comment: This sequence change replaces glutamic acid, which is acidic and polar, with lysine, which is basic and polar, at codon 49 of the COQ8A protein (p.Glu49Lys). This variant is present in population databases (rs372935246, gnomAD 0.0009%). This variant has not been reported in the literature in individuals affected with COQ8A-related conditions. Advanced modeling of protein sequence and biophysical properties (such as structural, functional, and spatial information, amino acid conservation, physicochemical variation, residue mobility, and thermodynamic stability) performed at Invitae indicates that this missense variant is not expected to disrupt COQ8A protein function. In summary, the available evidence is currently insufficient to determine the role of this variant in disease. Therefore, it has been classified as a Variant of Uncertain Significance.

NM_020247.5(COQ8A):c.145G>A (p.Glu49Lys)

Gene: COQ8A (coenzyme Q8A; plus strand). Cytogenetic location: 1q42.13.
Variant type: single nucleotide variant.
Coding change: c.145G>A on transcript NM_020247.5 (MANE Select); coding-DNA position 145, G replaced by A.
Protein change: p.Glu49Lys; replaces glutamic acid 49 with lysine.
Molecular consequence: missense variant.
Genome position (GRCh38, 1-based): chr1:226,961,530, G>A. VCF-style: chr1-226961530-G-A. GRCh37 (hg19) VCF-style: chr1-227149231-G-A.
Other names: short protein forms E49K.
Identifiers: ClinVar variation 2184390 (VCV002184390.1), dbSNP rs372935246, ClinGen allele CA1424936.